The following is an entry in ClinVar:

NM_000090.4(COL3A1):c.2867G>A (p.Arg956Gln)

Gene: COL3A1 (collagen type III alpha 1 chain; plus strand). Cytogenetic location: 2q32.2.
Variant type: single nucleotide variant.
Coding change: c.2867G>A on transcript NM_000090.4 (MANE Select); coding-DNA position 2867, G replaced by A.
Protein change: p.Arg956Gln; replaces arginine 956 with glutamine.
Molecular consequence: missense variant.
Genome position (GRCh38, 1-based): chr2:189,004,300, G>A. VCF-style: chr2-189004300-G-A. GRCh37 (hg19) VCF-style: chr2-189869026-G-A.
Other names: short protein forms R956Q.
Identifiers: ClinVar variation 2775131 (VCV002775131.3), dbSNP rs2469154176, ClinGen allele CA349844540.

ClinVar aggregate classification (germline): Uncertain significance. Review status: criteria provided, multiple submitters, no conflicts (2 of 4 stars). 2 submissions from 2 submitters: Uncertain significance (2). Last evaluated 2023-02-24.

Conditions:
Familial thoracic aortic aneurysm and aortic dissection (TAAD). Also called: Thoracic aortic aneurysms and dissections. Identifiers: Orphanet 91387, MedGen C4707243, MONDO:0019625.
Ehlers-Danlos syndrome, type 4 (EDSVASC). Also called: Ehlers-Danlos Syndrome Type IV; Ehlers-Danlos syndrome vascular type; Ehlers Danlos syndrome, ecchymotic type; Ehlers Danlos syndrome, arterial type; Ehlers Danlos syndrome, Sack-Barabas type. Identifiers: Orphanet 286, MedGen C0268338, MONDO:0017314, OMIM 130050.

gnomAD v4.1: 2 of 1,607,982 alleles (0.00012%); highest among the groups gnomAD compares: Non-Finnish European, 0.00017%; no homozygotes.

Submissions (2):

All of Us Research Program, National Institutes of Health
Classification: Uncertain significance for Ehlers-Danlos syndrome, type 4. Last evaluated: 2023-02-24. Review status: criteria provided, single submitter. Criteria: ACMG Guidelines, 2015. Collection method: clinical testing. Allele origin: germline. Inheritance: Autosomal dominant inheritance. Observed: 1 variant allele, 1 heterozygote.
Comment: This missense variant replaces arginine with glutamine at codon 956 of the COL3A1 protein. Computational prediction is inconclusive regarding the impact of this variant on protein structure and function (internally defined REVEL score threshold 0.5 < inconclusive < 0.7, PMID: 27666373). To our knowledge, functional studies have not been reported for this variant. This variant has been reported in an individual affected with thoracic aortic dissection (PMID: 29907982). This variant has not been identified in the general population by the Genome Aggregation Database (gnomAD). The available evidence is insufficient to determine the role of this variant in disease conclusively. Therefore, this variant is classified as a Variant of Uncertain Significance.

This study involves interpretation of variants in research participants for the purpose of population health screening. Participant phenotype was not available at the time of variant classification. Additional details can be found in publication PMID: 35346344, PMCID: PMC8962531

Color Diagnostics, LLC DBA Color Health
Classification: Uncertain significance for Familial thoracic aortic aneurysm and aortic dissection. Last evaluated: 2022-11-17. Review status: criteria provided, single submitter. Criteria: ACMG Guidelines, 2015. Collection method: clinical testing. Allele origin: germline.
Comment: This missense variant replaces arginine with glutamine at codon 956 of the COL3A1 protein. Computational prediction is inconclusive regarding the impact of this variant on protein structure and function (internally defined REVEL score threshold 0.5 < inconclusive < 0.7, PMID: 27666373). To our knowledge, functional studies have not been reported for this variant. This variant has been reported in an individual affected with thoracic aortic dissection (PMID: 29907982). This variant has not been identified in the general population by the Genome Aggregation Database (gnomAD). The available evidence is insufficient to determine the role of this variant in disease conclusively. Therefore, this variant is classified as a Variant of Uncertain Significance.

Literature cited by the submitters: PubMed 29907982 (cited by All of Us Research Program, National Institutes of Health and Color Diagnostics, LLC DBA Color Health).